The following is an entry in ClinVar:

NM_000540.3(RYR1):c.2928G>A (p.Leu976=)

Gene: RYR1 (ryanodine receptor 1; plus strand). Cytogenetic location: 19q13.2.
Variant type: single nucleotide variant.
Coding change: c.2928G>A on transcript NM_000540.3 (MANE Select); coding-DNA position 2928, G replaced by A.
Protein change: p.Leu976=; no amino-acid change (leucine 976 retained).
Molecular consequence: synonymous variant.
Genome position (GRCh38, 1-based): chr19:38,466,148, G>A. VCF-style: chr19-38466148-G-A. GRCh37 (hg19) VCF-style: chr19-38956788-G-A.
Other names: c.2928G>A, p.Leu976= (NM_001042723.2).
Identifiers: ClinVar variation 1619924 (VCV001619924.9), dbSNP rs1465762320, ClinGen allele CA507352690.
Genomic context (GRCh38, chr19:38,466,148, plus strand): 5'-CAGGTATATGATGAGCAATGGGTACAAGCCGGCTCCGCTGGACCTGAGCCACGTGCGGCT[G>A]ACGCCGGCGCAGACGACACTGGTGGACCGTCTGGCAGAAAATGGGCACAACGTGTGGGCC-3'
Protein context (NP_000531.2, residues 966-986): PAPLDLSHVR[Leu976=]TPAQTTLVDR

ClinVar aggregate classification (germline): Likely benign. Review status: criteria provided, multiple submitters, no conflicts (2 of 4 stars). 3 submissions from 3 submitters: Likely benign (3). Last evaluated 2023-12-13.

Conditions:
RYR1-related disorder. Also called: RYR1-related condition; RYR1-related disorders. Identifiers: MedGen CN239331.
Malignant hyperthermia, susceptibility to, 1 (MHS1). Also called: Anesthesia related hyperthermia; Malignant hyperpyrexia; Fulminating hyperpyrexia; Pharmacogenic myopathy; Malignant hyperthermia suceptibility 1; RYR1-Related Malignant Hyperthermia Susceptibility. Identifiers: Orphanet 423, MedGen C2930980, MONDO:0007783, OMIM 145600.

Allele frequency attached by ClinVar (database versions not stated): TOPMed below 0.00001.

Submissions (3):

All of Us Research Program, National Institutes of Health
Classification: Likely benign for Malignant hyperthermia, susceptibility to, 1. Last evaluated: 2023-12-13. Review status: criteria provided, single submitter. Criteria: ACMG Guidelines, 2015. Collection method: clinical testing. Allele origin: germline. Inheritance: Autosomal dominant inheritance. Observed: 3 variant alleles, 3 heterozygotes.
Comment: This study involves interpretation of variants in research participants for the purpose of population health screening. Participant phenotype was not available at the time of variant classification. Additional details can be found in publication PMID: 35346344, PMCID: PMC8962531

Labcorp Genetics (formerly Invitae), Labcorp
Classification: Likely benign for RYR1-related disorder. Last evaluated: 2023-09-29. Review status: criteria provided, single submitter. Criteria: Invitae Variant Classification Sherloc (09022015). Collection method: clinical testing. Allele origin: germline.

Color Diagnostics, LLC DBA Color Health
Classification: Likely benign for Malignant hyperthermia, susceptibility to, 1. Last evaluated: 2023-09-27. Review status: criteria provided, single submitter. Criteria: ACMG Guidelines, 2015. Collection method: clinical testing. Allele origin: germline.